The following is an entry in ClinVar:

NM_032861.4(SERAC1):c.1501+4A>C

Gene: SERAC1 (serine active site containing 1; minus strand). Cytogenetic location: 6q25.3.
Variant type: single nucleotide variant.
Coding change: c.1501+4A>C on transcript NM_032861.4 (MANE Select); 4 bases into the intron after coding-DNA position 1501, A replaced by C.
Molecular consequence: intron variant.
Genome position (GRCh38, 1-based): chr6:158,116,181, T>G on the plus strand (A>C on the coding strand, the complement: SERAC1 is on the minus strand). VCF-style: chr6-158116181-T-G. GRCh37 (hg19) VCF-style: chr6-158537213-T-G.
Other names: c.1501+4A>C (NM_032861.3).
Identifiers: ClinVar variation 1443719 (VCV001443719.5), dbSNP rs755406082, ClinGen allele CA4071059.

ClinVar aggregate classification (germline): Uncertain significance. Review status: criteria provided, single submitter (1 of 4 stars). 2 submissions from 2 submitters: Uncertain significance (1). 1 of the submissions does not count toward it. Last evaluated 2021-06-13.

Conditions:
SERAC1-related disorder. Also called: SERAC1-related disorders; SERAC1-related condition.
3-methylglutaconic aciduria with deafness, encephalopathy, and Leigh-like syndrome (MEGDEL). Also called: SERAC1 Deficiency; 3-METHYLGLUTACONIC ACIDURIA, TYPE VI; MEGDEL syndrome. Identifiers: Orphanet 352328, MedGen C4040739, MONDO:0013875, OMIM 614739.

gnomAD v4.1: 7 of 1,612,424 alleles (0.00043%); highest among the groups gnomAD compares: Admixed American, 0.01%; no homozygotes.

Submissions (2):

Labcorp Genetics (formerly Invitae), Labcorp
Classification: Uncertain significance for 3-methylglutaconic aciduria with deafness, encephalopathy, and Leigh-like syndrome. Last evaluated: 2021-06-13. Review status: criteria provided, single submitter. Criteria: Invitae Variant Classification Sherloc (09022015). Collection method: clinical testing. Allele origin: germline.
Comment: This sequence change falls in intron 14 of the SERAC1 gene. It does not directly change the encoded amino acid sequence of the SERAC1 protein. It affects a nucleotide within the consensus splice site of the intron. This variant is present in population databases (rs755406082, ExAC 0.03%). This variant has not been reported in the literature in individuals with SERAC1-related conditions. Nucleotide substitutions within the consensus splice site are a relatively common cause of aberrant splicing (PMID: 17576681, 9536098). Algorithms developed to predict the effect of sequence changes on RNA splicing suggest that this variant is not likely to affect RNA splicing, but this prediction has not been confirmed by published transcriptional studies. In summary, the available evidence is currently insufficient to determine the role of this variant in disease. Therefore, it has been classified as a Variant of Uncertain Significance.

PreventionGenetics, part of Exact Sciences
Classification: Likely benign for SERAC1-related condition. Last evaluated: 2020-11-23. Review status: no assertion criteria provided. Collection method: clinical testing. Allele origin: germline. Not counted in ClinVar's aggregate classification.
Comment: This variant is classified as likely benign based on ACMG/AMP sequence variant interpretation guidelines (Richards et al. 2015 PMID: 25741868, with internal and published modifications).

Literature cited by the submitters: PubMed 17576681 (cited by Labcorp Genetics (formerly Invitae), Labcorp); PubMed 9536098 (cited by Labcorp Genetics (formerly Invitae), Labcorp).